The following is an entry in ClinVar:

ClinVar aggregate classification (germline): Uncertain significance (1 of 4 stars; one submission).

Conditions:
Ataxia-telangiectasia syndrome (AT). Also called: LOUIS-BAR SYNDROME; Cerebello-oculocutaneous telangiectasia; Immunodeficiency with ataxia telangiectasia; Ataxia telangiectasia (A-T); Ataxia-telangiectasia, complementation group D; AT, COMPLEMENTATION GROUP C. Identifiers: Orphanet 100, MedGen C0004135, MONDO:0008840, OMIM 208900.

Submission:

Labcorp Genetics (formerly Invitae), Labcorp
Classification: Uncertain significance for Ataxia-telangiectasia syndrome. Last evaluated: 2022-06-20. Review status: criteria provided, single submitter. Criteria: Invitae Variant Classification Sherloc (09022015). Collection method: clinical testing. Allele origin: germline.
Comment: This sequence change replaces cysteine, which is neutral and slightly polar, with arginine, which is basic and polar, at codon 2074 of the ATM protein (p.Cys2074Arg). In summary, the available evidence is currently insufficient to determine the role of this variant in disease. Therefore, it has been classified as a Variant of Uncertain Significance. Algorithms developed to predict the effect of sequence changes on RNA splicing suggest that this variant may disrupt the consensus splice site. Advanced modeling of protein sequence and biophysical properties (such as structural, functional, and spatial information, amino acid conservation, physicochemical variation, residue mobility, and thermodynamic stability) performed at Invitae indicates that this missense variant is not expected to disrupt ATM protein function. This variant has not been reported in the literature in individuals affected with ATM-related conditions. This variant is not present in population databases (gnomAD no frequency).

NM_000051.4(ATM):c.6220T>C (p.Cys2074Arg)

Genes: ATM (ATM serine/threonine kinase; plus strand), C11orf65 (chromosome 11 open reading frame 65; minus strand). Cytogenetic location: 11q22.3.
Variant type: single nucleotide variant.
Coding change: c.6220T>C on transcript NM_000051.4 (MANE Select); coding-DNA position 6220, T replaced by C.
Protein change: p.Cys2074Arg; replaces cysteine 2074 with arginine.
Molecular consequence: missense variant. On other transcripts: intron variant (2).
Genome position (GRCh38, 1-based): chr11:108,317,394, T>C. VCF-style: chr11-108317394-T-C. GRCh37 (hg19) VCF-style: chr11-108188121-T-C.
Other names: c.6220T>C, p.Cys2074Arg (NM_001351834.2); c.641-8323A>G (NM_001330368.2); c.*39-8323A>G (NM_001351110.2); short protein forms C2074R.
Identifiers: ClinVar variation 1485431 (VCV001485431.8), dbSNP rs2136163545, ClinGen allele CA382551115.